The following is an entry in ClinVar:

ClinVar aggregate classification (germline): Uncertain significance (1 of 4 stars; one submission).

Allele frequency attached by ClinVar (database versions not stated): gnomAD exomes below 0.00001; TOPMed below 0.00001.
gnomAD v4.1: 1 of 1,613,104 alleles (0.000062%); highest among the groups gnomAD compares: Non-Finnish European, 0.000085%; no homozygotes.

Submission:

Labcorp Genetics (formerly Invitae), Labcorp
Classification: Uncertain significance. Last evaluated: 2024-05-08. Review status: criteria provided, single submitter. Criteria: Invitae Variant Classification Sherloc (09022015). Collection method: clinical testing. Allele origin: germline.
Comment: This sequence change replaces leucine, which is neutral and non-polar, with valine, which is neutral and non-polar, at codon 613 of the LAMB1 protein (p.Leu613Val). This variant is not present in population databases (gnomAD no frequency). This variant has not been reported in the literature in individuals affected with LAMB1-related conditions. ClinVar contains an entry for this variant (Variation ID: 1943169). An algorithm developed to predict the effect of missense changes on protein structure and function (PolyPhen-2) suggests that this variant is likely to be tolerated. In summary, the available evidence is currently insufficient to determine the role of this variant in disease. Therefore, it has been classified as a Variant of Uncertain Significance.

NM_002291.3(LAMB1):c.1837C>G (p.Leu613Val)

Gene: LAMB1 (laminin subunit beta 1; minus strand). Cytogenetic location: 7q31.1.
Variant type: single nucleotide variant.
Coding change: c.1837C>G on transcript NM_002291.3 (MANE Select); coding-DNA position 1837, C replaced by G.
Protein change: p.Leu613Val; replaces leucine 613 with valine.
Molecular consequence: missense variant.
Genome position (GRCh38, 1-based): chr7:107,962,925, G>C on the plus strand (C>G on the coding strand, the complement: LAMB1 is on the minus strand). VCF-style: chr7-107962925-G-C. GRCh37 (hg19) VCF-style: chr7-107603370-G-C.
Other names: short protein forms L613V.
Identifiers: ClinVar variation 1943169 (VCV001943169.4), dbSNP rs974610368, ClinGen allele CA164254261.